The following is an entry in ClinVar:

NM_015158.5(KANK1):c.1397A>G (p.Lys466Arg)

Gene: KANK1 (KN motif and ankyrin repeat domains 1; plus strand). Cytogenetic location: 9p24.3.
Variant type: single nucleotide variant.
Coding change: c.1397A>G on transcript NM_015158.5 (MANE Select); coding-DNA position 1397, A replaced by G.
Protein change: p.Lys466Arg; replaces lysine 466 with arginine.
Molecular consequence: missense variant. On other transcripts: non-coding transcript variant (1).
Genome position (GRCh38, 1-based): chr9:712,163, A>G. VCF-style: chr9-712163-A-G. GRCh37 (hg19) VCF-style: chr9-712163-A-G.
Other names: c.1397A>G, p.Lys466Arg (NM_001256876.3, NM_001256877.3, NM_001354331.2 and 2 more transcripts); c.923A>G, p.Lys308Arg (NM_001354333.2, NM_001354335.2, NM_001354336.2 and 9 more transcripts); c.1397A>G (NM_015158.2); short protein forms K308R, K466R.
Identifiers: ClinVar variation 2055129 (VCV002055129.5), dbSNP rs774866016, ClinGen allele CA4960211.
Genomic context (GRCh38, chr9:712,163, plus strand): 5'-GAGTGATGACTGAAGCTGACAAAGAAATTGAGCTGCAACAGCAGACCATAGAATCCTTGA[A>G]GGAAAAGATCTATCGCCTAGAAGTACAGCTTAGAGAAACCACCCATGACCGGGAGATGAC-3'
Protein context (NP_055973.2, residues 456-476): ELQQQTIESL[Lys466Arg]EKIYRLEVQL

ClinVar aggregate classification (germline): Conflicting classifications of pathogenicity. Review status: criteria provided, conflicting classifications (1 of 4 stars). 2 submissions from 2 submitters: Uncertain significance (1); Likely benign (1). Last evaluated 2025-04-01.

Allele frequency attached by ClinVar (database versions not stated): TOPMed 0.00005; gnomAD exomes 0.00001; gnomAD 0.00003; ExAC 0.00002.
gnomAD v4.1: 25 of 1,614,010 alleles (0.0015%); highest among the groups gnomAD compares: Admixed American, 0.027%; no homozygotes.

Submissions (2):

Ambry Genetics
Classification: Likely benign. Last evaluated: 2025-04-01. Review status: criteria provided, single submitter. Criteria: Ambry Variant Classification Scheme 2023. Collection method: clinical testing. Allele origin: germline.

Labcorp Genetics (formerly Invitae), Labcorp
Classification: Uncertain significance. Last evaluated: 2022-06-04. Review status: criteria provided, single submitter. Criteria: Invitae Variant Classification Sherloc (09022015). Collection method: clinical testing. Allele origin: germline.
Comment: This sequence change replaces lysine, which is basic and polar, with arginine, which is basic and polar, at codon 466 of the KANK1 protein (p.Lys466Arg). This variant is present in population databases (rs774866016, gnomAD 0.02%). This variant has not been reported in the literature in individuals affected with KANK1-related conditions. Algorithms developed to predict the effect of missense changes on protein structure and function are either unavailable or do not agree on the potential impact of this missense change (SIFT: "Tolerated"; PolyPhen-2: "Probably Damaging"; Align-GVGD: "Class C0"). In summary, the available evidence is currently insufficient to determine the role of this variant in disease. Therefore, it has been classified as a Variant of Uncertain Significance.